The following is an entry in ClinVar:

ClinVar aggregate classification (germline): Likely benign. Review status: criteria provided, multiple submitters, no conflicts (2 of 4 stars). 6 submissions from 6 submitters: Likely benign (6). Last evaluated 2025-01-13.

Conditions:
Breast-ovarian cancer, familial, susceptibility to, 1 (BROVCA1). Also called: BRCA1 Hereditary Breast and Ovarian Cancer; OVARIAN CANCER, SUSCEPTIBILITY TO. Identifiers: Orphanet 145, MedGen C2676676, MONDO:0011450, OMIM 604370. Disease mechanism: loss of function.
Hereditary breast ovarian cancer syndrome. Also called: Hereditary breast and ovarian cancer syndrome; Breast and ovarian cancer; Hereditary breast and ovarian cancer syndrome (HBOC); Hereditary breast and/or ovarian cancer syndrome; BRCA1- and BRCA2-Associated Hereditary Breast and Ovarian Cancer; Hereditary breast and ovarian cancer. Identifiers: Orphanet 145, MedGen C0677776, MeSH D061325, MONDO:0003582. Disease mechanism: loss of function.
Hereditary cancer-predisposing syndrome. Also called: Neoplastic Syndromes, Hereditary; Hereditary neoplastic syndrome; Hereditary Cancer Syndrome; Tumor predisposition. Identifiers: Orphanet 140162, MedGen C0027672, MeSH D009386, MONDO:0015356.

Allele frequency attached by ClinVar (database versions not stated): gnomAD exomes below 0.00001; TOPMed below 0.00001; gnomAD 0.00001.
gnomAD v4.1: 4 of 1,614,068 alleles (0.00025%); highest among the groups gnomAD compares: Non-Finnish European, 0.00034%; no homozygotes.

Submissions (7):

Labcorp Genetics (formerly Invitae), Labcorp
Classification: Likely benign for Hereditary breast ovarian cancer syndrome. Last evaluated: 2025-01-13. Review status: criteria provided, single submitter. Criteria: Invitae Variant Classification Sherloc (09022015). Collection method: clinical testing. Allele origin: germline.

Women's Health and Genetics/Laboratory Corporation of America, LabCorp
Classification: Likely benign. Last evaluated: 2023-12-17. Review status: criteria provided, single submitter. Criteria: LabCorp Variant Classification Summary - May 2015. Collection method: clinical testing. Allele origin: germline.

All of Us Research Program, National Institutes of Health
Classification: Likely benign for Breast-ovarian cancer, familial, susceptibility to, 1. Last evaluated: 2023-07-10. Review status: criteria provided, single submitter. Criteria: ACMG Guidelines, 2015. Collection method: clinical testing. Allele origin: germline. Inheritance: Autosomal dominant inheritance. Observed: 1 variant allele, 1 heterozygote.
Comment: This study involves interpretation of variants in research participants for the purpose of population health screening. Participant phenotype was not available at the time of variant classification. Additional details can be found in publication PMID: 35346344, PMCID: PMC8962531

Quest Diagnostics Nichols Institute San Juan Capistrano
Classification: Likely benign. Last evaluated: 2023-06-22. Review status: criteria provided, single submitter. Criteria: Quest Diagnostics criteria. Collection method: clinical testing. Allele origin: unknown.

Color Diagnostics, LLC DBA Color Health
Classification: Likely benign for Hereditary cancer-predisposing syndrome. Last evaluated: 2018-03-15. Review status: criteria provided, single submitter. Criteria: ACMG Guidelines, 2015. Collection method: clinical testing. Allele origin: germline.

Ambry Genetics
Classification: Likely benign for Hereditary cancer-predisposing syndrome. Last evaluated: 2018-03-13. Review status: criteria provided, single submitter. Criteria: Ambry Variant Classification Scheme 2023. Collection method: clinical testing. Allele origin: germline.

Brotman Baty Institute, University of Washington
No classification provided (evidence only). Condition: Breast-ovarian cancer, familial 1. Review status: no classification provided. Collection method: in vitro. Allele origin: not applicable. Functional consequence: functionally_normal. Not counted in ClinVar's aggregate classification.
ClinVar note: "not provided" was previously submitted as the classification for the variant. However, the classification appeared to be based only on an observation of functional data so it was converted to no classification on 2025-07-30.

Literature cited by the submitters: PubMed 30209399 (cited by Quest Diagnostics Nichols Institute San Juan Capistrano).

NM_007294.4(BRCA1):c.5415C>T (p.His1805=)

Gene: BRCA1 (BRCA1 DNA repair associated; minus strand). Cytogenetic location: 17q21.31.
Variant type: single nucleotide variant.
Coding change: c.5415C>T on transcript NM_007294.4 (MANE Select); coding-DNA position 5415, C replaced by T.
Protein change: p.His1805=; no amino-acid change (histidine 1805 retained).
Molecular consequence: synonymous variant. On other transcripts: missense variant (17).
Genome position (GRCh38, 1-based): chr17:43,047,695, G>A on the plus strand (C>T on the coding strand, the complement: BRCA1 is on the minus strand). VCF-style: chr17-43047695-G-A. GRCh37 (hg19) VCF-style: chr17-41199712-G-A.
Other names: c.5197C>T, p.Pro1733Ser (NM_001407943.1, NM_001407944.1, NM_001407945.1); c.5079C>T, p.His1693= (NM_001407954.1, NM_001407955.1, NM_001407950.1 and 3 more transcripts); c.5076C>T, p.His1692= (NM_001407956.1, NM_001407957.1, NM_001407958.1); c.5034C>T, p.His1678= (NM_001407959.1); c.5031C>T, p.His1677= (NM_001407960.1, NM_001407962.1); c.5028C>T, p.His1676= (NM_001407963.1); c.4953C>T, p.His1651= (NM_001407964.1); c.4908C>T, p.His1636= (NM_001407965.1); and 83 more; short protein forms P677S, P1781S, P1738S, P1779S, P676S, P1739S, P1740S, P1780S.
Identifiers: ClinVar variation 415554 (VCV000415554.25), dbSNP rs1060504559, ClinGen allele CA10590628.